The following is an entry in ClinVar:

NM_001371279.1(REEP1):c.795A>C (p.Arg265Ser)

Gene: REEP1 (receptor accessory protein 1; minus strand). Cytogenetic location: 2p11.2.
Variant type: single nucleotide variant.
Coding change: c.795A>C on transcript NM_001371279.1 (MANE Select); coding-DNA position 795, A replaced by C.
Protein change: p.Arg265Ser; replaces arginine 265 with serine.
Molecular consequence: missense variant. On other transcripts: 3 prime UTR variant (4).
Genome position (GRCh38, 1-based): chr2:86,217,099, T>G on the plus strand (A>C on the coding strand, the complement: REEP1 is on the minus strand). VCF-style: chr2-86217099-T-G. GRCh37 (hg19) VCF-style: chr2-86444222-T-G.
Other names: c.*1A>C (NM_001164730.2, NM_001164731.2, NM_001410856.1 and 1 more transcripts); c.372A>C, p.Arg124Ser (NM_001164732.2); c.429A>C, p.Arg143Ser (NM_001371280.1); c.759A>C, p.Arg253Ser (NM_001410855.1); short protein forms R124S, R143S, R253S, R265S.
Identifiers: ClinVar variation 5036945 (VCV005036945.1).

ClinVar aggregate classification (germline): Uncertain significance (1 of 4 stars; one submission).

gnomAD v4.1: 1 of 1,614,040 alleles (0.000062%); no homozygotes.

Submission:

GeneDx
Classification: Uncertain significance. Last evaluated: 2026-04-14. Review status: criteria provided, single submitter. Criteria: GeneDx Variant Classification Process June 2021. Collection method: clinical testing. Allele origin: germline.
Comment: Nucleotide is not conserved across species and the substitution has no predicted effect on splicing; Has not been previously published as pathogenic or benign to our knowledge; Located in a regulatory region; in the absence of functional studies, the actual effect of this sequence change is unknown